The following is an entry in ClinVar:

NM_024301.5(FKRP):c.933G>C (p.Glu311Asp)

Gene: FKRP (fukutin related protein; plus strand). Cytogenetic location: 19q13.32.
Variant type: single nucleotide variant.
Coding change: c.933G>C on transcript NM_024301.5 (MANE Select); coding-DNA position 933, G replaced by C.
Protein change: p.Glu311Asp; replaces glutamic acid 311 with aspartic acid.
Molecular consequence: missense variant.
Genome position (GRCh38, 1-based): chr19:46,756,383, G>C. VCF-style: chr19-46756383-G-C. GRCh37 (hg19) VCF-style: chr19-47259640-G-C.
Other names: c.933G>C, p.Glu311Asp (NM_001039885.3); short protein forms E311D.
Identifiers: ClinVar variation 656651 (VCV000656651.10), dbSNP rs911700598, ClinGen allele CA309099616.
Genomic context (GRCh38, chr19:46,756,383, plus strand): 5'-GGAGACCACGCGCTGCTTCGGAACCGTGGTGGGCGACACGCCCGCCTACCTCTACGAGGA[G>C]CGCTGGACGCCCCCCTGCTGCCTGCGCGCGCTGCGCGAGACCGCCCGCTATGTGGTGGGC-3'
Protein context (NP_077277.1, residues 301-321): VGDTPAYLYE[Glu311Asp]RWTPPCCLRA

ClinVar aggregate classification (germline): Conflicting classifications of pathogenicity. Review status: criteria provided, conflicting classifications (1 of 4 stars). 3 submissions from 3 submitters: Uncertain significance (2); Likely benign (1). Last evaluated 2024-11-16.

Conditions:
Walker-Warburg congenital muscular dystrophy. Also called: Muscular dystrophy-dystroglycanopathy, type A; Walker-Warburg syndrome. Identifiers: Orphanet 899, MedGen C0265221, MONDO:0000171.
Cardiovascular phenotype. Identifiers: MedGen CN230736.
Muscular dystrophy-dystroglycanopathy type B5 (MDDGB5). Also called: MUSCULAR DYSTROPHY, CONGENITAL, 1C; MUSCULAR DYSTROPHY, CONGENITAL, FKRP-RELATED; MUSCULAR DYSTROPHY-DYSTROGLYCANOPATHY (CONGENITAL WITH OR WITHOUT IMPAIRED INTELLECTUAL DEVELOPMENT), TYPE B, 5. Identifiers: MedGen C1847759, MONDO:0011688, OMIM 606612.
Autosomal recessive limb-girdle muscular dystrophy type 2I. Also called: MUSCULAR DYSTROPHY-DYSTROGLYCANOPATHY, LIMB-GIRDLE, FRKP-RELATED; MUSCULAR DYSTROPHY, LIMB-GIRDLE, TYPE 2I; MUSCULAR DYSTROPHY-DYSTROGLYCANOPATHY (LIMB-GIRDLE), TYPE C, 5. Identifiers: Orphanet 34515, MedGen C1846672, MONDO:0011787, OMIM 607155.
Muscular dystrophy-dystroglycanopathy (congenital with brain and eye anomalies), type A1 (MDDGA1). Also called: Muscular dystrophy-dystroglycanopathy (congenital with brain and eye anomalies), type A, 1; COD-MD SYNDROME; WALKER-WARBURG SYNDROME OR MUSCLE-EYE-BRAIN DISEASE, POMT1-RELATED; Hydrocephalus, agyria and retinal dysplasia; Hard +/- E syndrome; Warburg syndrome. Identifiers: Orphanet 588, Orphanet 899, MedGen C4284790, MONDO:0009364, OMIM 236670.
Muscular dystrophy-dystroglycanopathy (congenital with brain and eye anomalies), type A5. Also called: WALKER-WARBURG SYNDROME OR MUSCLE-EYE-BRAIN DISEASE, FKRP-RELATED; MUSCULAR DYSTROPHY-DYSTROGLYCANOPATHY (CONGENITAL WITH BRAIN AND EYE ANOMALIES), TYPE A, 5. Identifiers: Orphanet 588, Orphanet 899, MedGen C3150413, MONDO:0013157, OMIM 613153.

Allele frequency attached by ClinVar (database versions not stated): TOPMed 0.00002.
gnomAD v4.1: 3 of 1,564,734 alleles (0.00019%); highest among the groups gnomAD compares: African/African-American, 0.0041%; no homozygotes.

Submissions (3):

Ambry Genetics
Classification: Likely benign for Cardiovascular phenotype. Last evaluated: 2024-11-16. Review status: criteria provided, single submitter. Criteria: Ambry Variant Classification Scheme 2023. Collection method: clinical testing. Allele origin: germline.

Labcorp Genetics (formerly Invitae), Labcorp
Classification: Uncertain significance for Walker-Warburg congenital muscular dystrophy. Last evaluated: 2022-07-05. Review status: criteria provided, single submitter. Criteria: Invitae Variant Classification Sherloc (09022015). Collection method: clinical testing. Allele origin: germline.
Comment: This sequence change replaces glutamic acid, which is acidic and polar, with aspartic acid, which is acidic and polar, at codon 311 of the FKRP protein (p.Glu311Asp). The frequency data for this variant in the population databases is considered unreliable, as metrics indicate poor data quality at this position in the gnomAD database. This variant has not been reported in the literature in individuals affected with FKRP-related conditions. ClinVar contains an entry for this variant (Variation ID: 656651). Algorithms developed to predict the effect of missense changes on protein structure and function output the following: SIFT: "Tolerated"; PolyPhen-2: "Benign"; Align-GVGD: "Class C0". The aspartic acid amino acid residue is found in multiple mammalian species, which suggests that this missense change does not adversely affect protein function. In summary, the available evidence is currently insufficient to determine the role of this variant in disease. Therefore, it has been classified as a Variant of Uncertain Significance.

Fulgent Genetics
Classification: Uncertain significance for Muscular dystrophy-dystroglycanopathy (congenital with brain and eye anomalies), type A1; Muscular dystrophy-dystroglycanopathy type B5; Autosomal recessive limb-girdle muscular dystrophy type 2I; Muscular dystrophy-dystroglycanopathy (congenital with brain and eye anomalies), type A5. Last evaluated: 2021-08-15. Review status: criteria provided, single submitter. Criteria: ACMG Guidelines, 2015. Collection method: clinical testing. Allele origin: unknown.